The following is an entry in ClinVar:

ClinVar aggregate classification (germline): Uncertain significance. Review status: criteria provided, multiple submitters, no conflicts (2 of 4 stars). 3 submissions from 3 submitters: Uncertain significance (3). Last evaluated 2024-03-11.

Conditions:
Meckel-Gruber syndrome. Also called: DYSENCEPHALIA SPLANCHNOCYSTICA; GRUBER SYNDROME; Dysencephalia splachnocystica. Identifiers: Orphanet 564, MedGen C0265215, MONDO:0018921.
Joubert syndrome. Also called: CEREBELLOPARENCHYMAL DISORDER IV; JOUBERT-BOLTSHAUSER SYNDROME; Familial aplasia of the vermis. Identifiers: Orphanet 475, MedGen C5979921, MONDO:0018772.
Nephronophthisis. Also called: Juvenile Nephronophthisis. Identifiers: Orphanet 655, MedGen C0687120, MONDO:0019005, HP:0000090.
Leber congenital amaurosis 10 (LCA10). Identifiers: Orphanet 65, MedGen C1857821, MONDO:0012723, OMIM 611755.
Meckel syndrome, type 4 (MKS4). Also called: MECKEL-GRUBER SYNDROME, TYPE 4. Identifiers: Orphanet 564, MedGen C1970161, MONDO:0012626, OMIM 611134.
Bardet-Biedl syndrome 14 (BBS14). Identifiers: Orphanet 110, MedGen C2673874, MONDO:0014442, OMIM 615991.
Senior-Loken syndrome 6 (SLSN6). Identifiers: Orphanet 3156, MedGen C1857779, MONDO:0012433, OMIM 610189.
Joubert syndrome 5 (JBTS5). Identifiers: Orphanet 2318, MedGen C1857780, MONDO:0012432, OMIM 610188.

Allele frequency attached by ClinVar (database versions not stated): gnomAD exomes 0.00001; ExAC 0.00003.
gnomAD v4.1: 8 of 1,612,838 alleles (0.0005%); highest among the groups gnomAD compares: East Asian, 0.0022%; no homozygotes.

Submissions (3):

Fulgent Genetics
Classification: Uncertain significance for Joubert syndrome 5; Senior-Loken syndrome 6; Meckel syndrome, type 4; Leber congenital amaurosis 10; Bardet-Biedl syndrome 14. Last evaluated: 2024-03-11. Review status: criteria provided, single submitter. Criteria: ACMG Guidelines, 2015. Collection method: clinical testing. Allele origin: germline.

Labcorp Genetics (formerly Invitae), Labcorp
Classification: Uncertain significance for Joubert syndrome; Meckel-Gruber syndrome; Nephronophthisis. Last evaluated: 2022-10-17. Review status: criteria provided, single submitter. Criteria: Invitae Variant Classification Sherloc (09022015). Collection method: clinical testing. Allele origin: germline.
Comment: This sequence change replaces threonine, which is neutral and polar, with isoleucine, which is neutral and non-polar, at codon 405 of the CEP290 protein (p.Thr405Ile). This variant is present in population databases (rs781183605, gnomAD 0.006%). This variant has not been reported in the literature in individuals affected with CEP290-related conditions. ClinVar contains an entry for this variant (Variation ID: 194434). Advanced modeling of protein sequence and biophysical properties (such as structural, functional, and spatial information, amino acid conservation, physicochemical variation, residue mobility, and thermodynamic stability) performed at Invitae indicates that this missense variant is not expected to disrupt CEP290 protein function. In summary, the available evidence is currently insufficient to determine the role of this variant in disease. Therefore, it has been classified as a Variant of Uncertain Significance.

Eurofins Ntd Llc (ga)
Classification: Uncertain significance. Last evaluated: 2015-10-19. Review status: criteria provided, single submitter. Criteria: EGL Classification Definitions 2015. Collection method: clinical testing. Allele origin: germline. Observed: 2 variant alleles, 2 heterozygotes.

NM_025114.4(CEP290):c.1214C>T (p.Thr405Ile)

Gene: CEP290 (centrosomal protein 290; minus strand). Cytogenetic location: 12q21.32.
Variant type: single nucleotide variant.
Coding change: c.1214C>T on transcript NM_025114.4 (MANE Select); coding-DNA position 1214, C replaced by T.
Protein change: p.Thr405Ile; replaces threonine 405 with isoleucine.
Molecular consequence: missense variant.
Genome position (GRCh38, 1-based): chr12:88,121,142, G>A on the plus strand (C>T on the coding strand, the complement: CEP290 is on the minus strand). VCF-style: chr12-88121142-G-A. GRCh37 (hg19) VCF-style: chr12-88514919-G-A.
Other names: short protein forms T405I.
Identifiers: ClinVar variation 194434 (VCV000194434.12), dbSNP rs781183605, ClinGen allele CA240380.